The following is an entry in ClinVar:

NM_017780.4(CHD7):c.5015C>G (p.Ala1672Gly)

Gene: CHD7 (chromodomain helicase DNA binding protein 7; plus strand). Cytogenetic location: 8q12.2.
Variant type: single nucleotide variant.
Coding change: c.5015C>G on transcript NM_017780.4 (MANE Select); coding-DNA position 5015, C replaced by G.
Protein change: p.Ala1672Gly; replaces alanine 1672 with glycine.
Molecular consequence: missense variant. On other transcripts: intron variant (1).
Genome position (GRCh38, 1-based): chr8:60,845,028, C>G. VCF-style: chr8-60845028-C-G. GRCh37 (hg19) VCF-style: chr8-61757587-C-G.
Other names: c.1717-17201C>G (NM_001316690.1); short protein forms A1672G.
Identifiers: ClinVar variation 4002164 (VCV004002164.1).
Genomic context (GRCh38, chr8:60,845,028, plus strand): 5'-ATCATTACAAAGGGGATGAGAATATCAAAAGCTTCATCTGGGATCTGATCACACCCACAG[C>G]GGATGGCCAGACTCGAGCCTTGGTCAACCATTCCGGTAGGTCTCCACCATGCTGTTTGTG-3'
Protein context (NP_060250.2, residues 1662-1682): SFIWDLITPT[Ala1672Gly]DGQTRALVNH

ClinVar aggregate classification (germline): Uncertain significance (1 of 4 stars; one submission).

Conditions:
Inborn genetic diseases. Identifiers: MedGen C0950123, MeSH D030342.

Submission:

Ambry Genetics
Classification: Uncertain significance for Inborn genetic diseases. Last evaluated: 2025-04-29. Review status: criteria provided, single submitter. Criteria: Ambry Variant Classification Scheme 2023. Collection method: clinical testing. Allele origin: germline.
Comment: The p.A1672G variant (also known as c.5015C>G), located in coding exon 21 of the CHD7 gene, results from a C to G substitution at nucleotide position 5015. The alanine at codon 1672 is replaced by glycine, an amino acid with similar properties. This amino acid position is conserved. In addition, this alteration is predicted to be tolerated by in silico analysis. Based on the available evidence, the clinical significance of this variant remains unclear.